The following is an entry in ClinVar:

NM_004006.3(DMD):c.2292T>G (p.Asn764Lys)

Gene: DMD (dystrophin; minus strand). Cytogenetic location: Xp21.1.
Variant type: single nucleotide variant.
Coding change: c.2292T>G on transcript NM_004006.3 (MANE Select); coding-DNA position 2292, T replaced by G.
Protein change: p.Asn764Lys; replaces asparagine 764 with lysine.
Molecular consequence: missense variant.
Genome position (GRCh38, 1-based): chrX:32,518,008, A>C on the plus strand (T>G on the coding strand, the complement: DMD is on the minus strand). VCF-style: chrX-32518008-A-C. GRCh37 (hg19) VCF-style: chrX-32536125-A-C.
Other names: c.2268T>G, p.Asn756Lys (NM_000109.4); c.2280T>G, p.Asn760Lys (NM_004009.3); c.1923T>G, p.Asn641Lys (NM_004010.3); short protein forms N756K, N760K, N641K, N764K.
Identifiers: ClinVar variation 1928561 (VCV001928561.4), dbSNP rs2046030459, ClinGen allele CA412663594.

ClinVar aggregate classification (germline): Conflicting classifications of pathogenicity. Review status: criteria provided, conflicting classifications (1 of 4 stars). 2 submissions from 2 submitters: Uncertain significance (1); Likely benign (1). Last evaluated 2025-01-14.

Conditions:
Duchenne muscular dystrophy (DMD). Also called: MUSCULAR DYSTROPHY, PSEUDOHYPERTROPHIC PROGRESSIVE, DUCHENNE TYPE; Duchenne Muscular Dystrophy (DMD). Identifiers: Orphanet 98896, MedGen C0013264, MONDO:0010679, OMIM 310200.
Cardiovascular phenotype. Identifiers: MedGen CN230736.

Allele frequency attached by ClinVar (database versions not stated): TOPMed below 0.00001.

Submissions (2):

Ambry Genetics
Classification: Likely benign for Cardiovascular phenotype. Last evaluated: 2025-01-14. Review status: criteria provided, single submitter. Criteria: Ambry Variant Classification Scheme 2023. Collection method: clinical testing. Allele origin: germline.

Labcorp Genetics (formerly Invitae), Labcorp
Classification: Uncertain significance for Duchenne muscular dystrophy. Last evaluated: 2023-08-28. Review status: criteria provided, single submitter. Criteria: Invitae Variant Classification Sherloc (09022015). Collection method: clinical testing. Allele origin: germline.
Comment: This sequence change replaces asparagine, which is neutral and polar, with lysine, which is basic and polar, at codon 764 of the DMD protein (p.Asn764Lys). This variant is not present in population databases (gnomAD no frequency). This variant has not been reported in the literature in individuals affected with DMD-related conditions. ClinVar contains an entry for this variant (Variation ID: 1928561). An algorithm developed to predict the effect of missense changes on protein structure and function (PolyPhen-2) suggests that this variant is likely to be disruptive. In summary, the available evidence is currently insufficient to determine the role of this variant in disease. Therefore, it has been classified as a Variant of Uncertain Significance.